The following is an entry in ClinVar:

ClinVar aggregate classification (germline): Uncertain significance. Review status: criteria provided, multiple submitters, no conflicts (2 of 4 stars). 2 submissions from 2 submitters: Uncertain significance (2). Last evaluated 2024-09-30.

Conditions:
Inborn genetic diseases. Identifiers: MedGen C0950123, MeSH D030342.

Allele frequency attached by ClinVar (database versions not stated): ExAC 0.00002; gnomAD exomes 0.00002; gnomAD 0.00009; 1000 Genomes Project 0.00020; TOPMed 0.00020; 1000 Genomes Project 30x 0.00031.
gnomAD v4.1: 48 of 1,614,154 alleles (0.003%); highest among the groups gnomAD compares: Admixed American, 0.043%; no homozygotes.

Submissions (2):

Ambry Genetics
Classification: Uncertain significance for Inborn genetic diseases. Last evaluated: 2024-09-30. Review status: criteria provided, single submitter. Criteria: Ambry Variant Classification Scheme 2023. Collection method: clinical testing. Allele origin: germline.

Labcorp Genetics (formerly Invitae), Labcorp
Classification: Uncertain significance. Last evaluated: 2021-09-01. Review status: criteria provided, single submitter. Criteria: Invitae Variant Classification Sherloc (09022015). Collection method: clinical testing. Allele origin: germline.
Comment: This sequence change replaces proline with threonine at codon 1147 of the NPHS1 protein (p.Pro1147Thr). The proline residue is highly conserved and there is a small physicochemical difference between proline and threonine. This variant is present in population databases (rs201410838, ExAC 0.03%). This variant has not been reported in the literature in individuals affected with NPHS1-related conditions. Algorithms developed to predict the effect of missense changes on protein structure and function are either unavailable or do not agree on the potential impact of this missense change (SIFT: "Deleterious"; PolyPhen-2: "Possibly Damaging"; Align-GVGD: "Class C0"). In summary, the available evidence is currently insufficient to determine the role of this variant in disease. Therefore, it has been classified as a Variant of Uncertain Significance.

NM_004646.4(NPHS1):c.3439C>A (p.Pro1147Thr)

Gene: NPHS1 (NPHS1 adhesion molecule, nephrin; minus strand). Cytogenetic location: 19q13.12.
Variant type: single nucleotide variant.
Coding change: c.3439C>A on transcript NM_004646.4 (MANE Select); coding-DNA position 3439, C replaced by A.
Protein change: p.Pro1147Thr; replaces proline 1147 with threonine.
Molecular consequence: missense variant.
Genome position (GRCh38, 1-based): chr19:35,831,095, G>T on the plus strand (C>A on the coding strand, the complement: NPHS1 is on the minus strand). VCF-style: chr19-35831095-G-T. GRCh37 (hg19) VCF-style: chr19-36321997-G-T.
Other names: short protein forms P1147T.
Identifiers: ClinVar variation 2152055 (VCV002152055.3), dbSNP rs201410838, ClinGen allele CA9389756.